The following is an entry in ClinVar:

ClinVar aggregate classification (germline): Likely benign. Review status: criteria provided, multiple submitters, no conflicts (2 of 4 stars). 2 submissions from 2 submitters: Likely benign (2). Last evaluated 2025-11-23.

Allele frequency attached by ClinVar (database versions not stated): gnomAD exomes below 0.00001 and 0.00001; ExAC 0.00001; gnomAD 0.00001; TOPMed 0.00001.
gnomAD v4.1: 17 of 1,613,174 alleles (0.0011%); highest among the groups gnomAD compares: Middle Eastern, 0.017%; no homozygotes.

Submissions (2):

Labcorp Genetics (formerly Invitae), Labcorp
Classification: Likely benign. Last evaluated: 2025-11-23. Review status: criteria provided, single submitter. Criteria: Invitae Variant Classification Sherloc (09022015). Collection method: clinical testing. Allele origin: germline.

GeneDx
Classification: Likely benign. Last evaluated: 2017-02-07. Review status: criteria provided, single submitter. Criteria: GeneDx Variant Classification (06012015). Collection method: clinical testing. Allele origin: germline. Affected: yes.
Comment: This variant is considered likely benign or benign based on one or more of the following criteria: it is a conservative change, it occurs at a poorly conserved position in the protein, it is predicted to be benign by multiple in silico algorithms, and/or has population frequency not consistent with disease.

NM_007103.4(NDUFV1):c.700+13G>A

Gene: NDUFV1 (NADH:ubiquinone oxidoreductase core subunit V1; plus strand). Cytogenetic location: 11q13.2.
Variant type: single nucleotide variant.
Coding change: c.700+13G>A on transcript NM_007103.4 (MANE Select); 13 bases into the intron after coding-DNA position 700, G replaced by A.
Molecular consequence: intron variant.
Genome position (GRCh38, 1-based): chr11:67,610,583, G>A. VCF-style: chr11-67610583-G-A. GRCh37 (hg19) VCF-style: chr11-67378054-G-A.
Other names: c.673+13G>A (NM_001166102.2).
Identifiers: ClinVar variation 507252 (VCV000507252.4), dbSNP rs762384715, ClinGen allele CA6143249.
Genomic context (GRCh38, chr11:67,610,583, plus strand): 5'-GCAAGCAGGGCAAGCCCCGCCTGAAGCCCCCCTTCCCCGCAGACGTGGGTAAGGCCTGGC[G>A]TAACCCTGGGTCAGACTGTGTCCTGTGACACCCGGGATCTGGCTAGGCTCCCTTTGGATT-3'